The following is an entry in ClinVar:

NM_004082.5(DCTN1):c.2180A>G (p.Tyr727Cys)

Gene: DCTN1 (dynactin subunit 1; minus strand). Cytogenetic location: 2p13.1.
Variant type: single nucleotide variant.
Coding change: c.2180A>G on transcript NM_004082.5 (MANE Select); coding-DNA position 2180, A replaced by G.
Protein change: p.Tyr727Cys; replaces tyrosine 727 with cysteine.
Molecular consequence: missense variant. On other transcripts: non-coding transcript variant (1).
Genome position (GRCh38, 1-based): chr2:74,367,700, T>C on the plus strand (A>G on the coding strand, the complement: DCTN1 is on the minus strand). VCF-style: chr2-74367700-T-C. GRCh37 (hg19) VCF-style: chr2-74594827-T-C.
Other names: c.2120A>G, p.Tyr707Cys (NM_001135040.3); c.1778A>G, p.Tyr593Cys (NM_001135041.3, NM_023019.4); c.2069A>G, p.Tyr690Cys (NM_001190836.2); c.2159A>G, p.Tyr720Cys (NM_001190837.2); c.2129A>G, p.Tyr710Cys (NM_001378991.1); c.2111A>G, p.Tyr704Cys (NM_001378992.1); short protein forms Y727C, Y690C, Y720C, Y593C, Y707C, Y710C, Y704C.
Identifiers: ClinVar variation 1381424 (VCV001381424.6), dbSNP rs1287560245, ClinGen allele CA347350376.
Genomic context (GRCh38, chr2:74,367,700, plus strand): 5'-CCATCAAGTGAAAGCTTCCCTGCCTCCTGCCCCAAGCCCAAATTCTTGCCCCACACCTGA[T>C]AGTACTTGATGGCCTTGGTGAGAGGCTCCACATTGACAGTCTCATCCAGCTGATCCTTGT-3'
Protein context (NP_004073.2, residues 717-737): VEPLTKAIKY[Tyr727Cys]QHLYSIHLAE

ClinVar aggregate classification (germline): Uncertain significance (1 of 4 stars; one submission).

Conditions:
Amyotrophic lateral sclerosis type 1 (ALS1). Also called: AMYOTROPHIC LATERAL SCLEROSIS 1, FAMILIAL. Identifiers: Orphanet 803, MedGen C1862939, MONDO:0007103, OMIM 105400.
Perry syndrome. Also called: PARKINSONISM WITH ALVEOLAR HYPOVENTILATION AND MENTAL DEPRESSION. Identifiers: Orphanet 178509, MedGen C1868594, MONDO:0008201, OMIM 168605.
Neuronopathy, distal hereditary motor, type 7B. Also called: Distal Hereditary Motor Neuronopathy Type 7B (dHMN7B); NEURONOPATHY, DISTAL HEREDITARY MOTOR, AUTOSOMAL DOMINANT 14; NEURONOPATHY, DISTAL HEREDITARY MOTOR, HARDING TYPE VIIB; NEUROPATHY, DISTAL HEREDITARY MOTOR, HARDING TYPE VIIB; NEUROPATHY, DISTAL HEREDITARY MOTOR, WITH VOCAL CORD PARALYSIS, HARDING TYPE VIIB; HMN VIIB. Identifiers: Orphanet 139589, MedGen C1843315, MONDO:0011879, OMIM 607641.

Allele frequency attached by ClinVar (database versions not stated): gnomAD exomes below 0.00001.
gnomAD v4.1: 2 of 1,614,158 alleles (0.00012%); highest among the groups gnomAD compares: Non-Finnish European, 0.000085%; no homozygotes.

Submission:

Labcorp Genetics (formerly Invitae), Labcorp
Classification: Uncertain significance for Amyotrophic lateral sclerosis type 1; Neuronopathy, distal hereditary motor, type 7B; Perry syndrome. Last evaluated: 2021-08-04. Review status: criteria provided, single submitter. Criteria: Invitae Variant Classification Sherloc (09022015). Collection method: clinical testing. Allele origin: germline.
Comment: In summary, the available evidence is currently insufficient to determine the role of this variant in disease. Therefore, it has been classified as a Variant of Uncertain Significance. Algorithms developed to predict the effect of missense changes on protein structure and function (SIFT, PolyPhen-2, Align-GVGD) all suggest that this variant is likely to be disruptive. This variant has not been reported in the literature in individuals affected with DCTN1-related conditions. This variant is not present in population databases (ExAC no frequency). This sequence change replaces tyrosine with cysteine at codon 727 of the DCTN1 protein (p.Tyr727Cys). The tyrosine residue is highly conserved and there is a large physicochemical difference between tyrosine and cysteine.